The following is an entry in ClinVar:

NM_000540.3(RYR1):c.14513T>G (p.Leu4838Arg)

Gene: RYR1 (ryanodine receptor 1; plus strand). Cytogenetic location: 19q13.2.
Variant type: single nucleotide variant.
Coding change: c.14513T>G on transcript NM_000540.3 (MANE Select); coding-DNA position 14513, T replaced by G.
Protein change: p.Leu4838Arg; replaces leucine 4838 with arginine.
Molecular consequence: missense variant.
Genome position (GRCh38, 1-based): chr19:38,580,371, T>G. VCF-style: chr19-38580371-T-G. GRCh37 (hg19) VCF-style: chr19-39071011-T-G.
Other names: c.14498T>G, p.Leu4833Arg (NM_001042723.2); short protein forms L4833R, L4838R.
Identifiers: ClinVar variation 4879812 (VCV004879812.1).

ClinVar aggregate classification (germline): Likely pathogenic (1 of 4 stars; one submission).

Conditions:
RYR1-related myopathy. Identifiers: Orphanet 98742, MedGen CN305348, MONDO:0100150.

Submission:

Victorian Clinical Genetics Services, Murdoch Childrens Research Institute
Classification: Likely pathogenic for RYR1-related myopathy. Last evaluated: 2026-04-27. Review status: criteria provided, single submitter. Criteria: ACMG Guidelines, 2015. Collection method: clinical testing. Allele origin: germline. Affected: yes.
Comment: This variant is classified as Likely pathogenic. Evidence in support of pathogenic classification: Variant is absent from gnomAD (v2, v3 and v4); Another missense variant comparable to the one identified in this case has moderate previous evidence for pathogenicity. p.(Leu4838Val) has been classified as likely pathogenic by the ClinGen Malignant Hyperthermia Susceptibility (MHS) Variant Curation Expert Panel (ClinVar). Although this classification is in the context of MHS, other variants associated with MHS have been reported in individuals with myopathy (OMIM); Missense variant predicted to be damaging by in silico tool(s) or highly conserved with a major amino acid change; Additional information: Variant is predicted to result in a missense amino acid change from Leu to Arg; This variant is heterozygous; This gene is associated with both recessive and dominant disease (OMIM); This variant has no previous evidence of pathogenicity; No published evidence of segregation with disease has been identified for this variant; No published functional evidence has been identified for this variant; Variant is located in the annotated ion transport protein domain (DECIPHER); Loss of function and gain of function are known mechanisms of disease in this gene and are associated with RYR1-related disorders (OMIM). Gain of function is associated with malignant hyperthermia susceptibility 1 (MIM#145600) and autosomal dominant congenital myopathy 1A with susceptibility to malignant hyperthermia (MIM#117000). Loss of function is associated with autosomal recessive congenital myopathy 1B (MIM#255320) (PMIDs: 27855725, 23919265). The mechanism of King-Denborough syndrome (MIM#619542) is unclear.

Literature cited by the submitters: PubMed 27855725; PubMed 23919265.